The following is an entry in ClinVar:

NM_001393769.1(MED12L):c.2557T>A (p.Ser853Thr)

Genes: MED12L (mediator complex subunit 12L; plus strand), P2RY12 (purinergic receptor P2Y12; minus strand). Cytogenetic location: 3q25.1.
Variant type: single nucleotide variant.
Coding change: c.2557T>A on transcript NM_001393769.1 (MANE Select); coding-DNA position 2557, T replaced by A.
Protein change: p.Ser853Thr; replaces serine 853 with threonine.
Molecular consequence: missense variant. On other transcripts: intron variant (1).
Genome position (GRCh38, 1-based): chr3:151,355,935, T>A. VCF-style: chr3-151355935-T-A. GRCh37 (hg19) VCF-style: chr3-151073723-T-A.
Other names: c.2452T>A, p.Ser818Thr (NM_053002.6); c.-179-15175A>T (NM_022788.5); short protein forms S818T, S853T.
Identifiers: ClinVar variation 2226678 (VCV002226678.2), dbSNP rs2473552309, ClinGen allele CA354964750.

ClinVar aggregate classification (germline): Uncertain significance (1 of 4 stars; one submission).

Conditions:
Inborn genetic diseases. Identifiers: MedGen C0950123, MeSH D030342.

Submission:

Ambry Genetics
Classification: Uncertain significance for Inborn genetic diseases. Last evaluated: 2022-10-21. Review status: criteria provided, single submitter. Criteria: Ambry Variant Classification Scheme 2023. Collection method: clinical testing. Allele origin: germline.
Comment: The c.2452T>A (p.S818T) alteration is located in exon 17 (coding exon 17) of the MED12L gene. This alteration results from a T to A substitution at nucleotide position 2452, causing the serine (S) at amino acid position 818 to be replaced by a threonine (T). This variant was not reported in population-based cohorts in the Genome Aggregation Database (gnomAD). This amino acid position is not well conserved in available vertebrate species. This alteration is predicted to be tolerated by in silico analysis. Based on insufficient or conflicting evidence, the clinical significance of this alteration remains unclear.